The following is an entry in ClinVar:

NM_000393.5(COL5A2):c.3676C>T (p.Pro1226Ser)

Gene: COL5A2 (collagen type V alpha 2 chain; minus strand). Cytogenetic location: 2q32.2.
Variant type: single nucleotide variant.
Coding change: c.3676C>T on transcript NM_000393.5 (MANE Select); coding-DNA position 3676, C replaced by T.
Protein change: p.Pro1226Ser; replaces proline 1226 with serine.
Molecular consequence: missense variant.
Genome position (GRCh38, 1-based): chr2:189,039,521, G>A on the plus strand (C>T on the coding strand, the complement: COL5A2 is on the minus strand). VCF-style: chr2-189039521-G-A. GRCh37 (hg19) VCF-style: chr2-189904247-G-A.
Other names: short protein forms P1226S.
Identifiers: ClinVar variation 459746 (VCV000459746.18), dbSNP rs199621926, ClinGen allele CA2021934.

ClinVar aggregate classification (germline): Conflicting classifications of pathogenicity. Review status: criteria provided, conflicting classifications (1 of 4 stars). 4 submissions from 4 submitters: Uncertain significance (3); Likely benign (1). Last evaluated 2025-10-13.

Conditions:
Familial thoracic aortic aneurysm and aortic dissection (TAAD). Also called: Thoracic aortic aneurysms and dissections. Identifiers: Orphanet 91387, MedGen C4707243, MONDO:0019625.
Ehlers-Danlos syndrome, classic type, 1 (EDSCL1). Also called: EHLERS-DANLOS SYNDROME, GRAVIS TYPE; EHLERS-DANLOS SYNDROME, SEVERE CLASSIC TYPE; EDS I; Ehlers-Danlos Syndrome, Classic Type, COL5A1-Related; Ehlers-Danlos syndrome, type 1. Identifiers: MedGen C0268335, MONDO:0019567, OMIM 130000.
Ehlers-Danlos syndrome, classic type, 2 (EDSCL2). Also called: Ehlers-Danlos syndrome type 2 (formerly); Ehlers-Danlos Syndrome, Classic Type, COL5A2-Related; Ehlers-Danlos syndrome, type 2. Identifiers: Orphanet 287, Orphanet 90318, MedGen C0268336, MONDO:0019568, OMIM 130010.

Allele frequency attached by ClinVar (database versions not stated): gnomAD 0.00001; gnomAD exomes 0.00004 and 0.00006; ESP Exome Variant Server 0.00015; TOPMed 0.00003; ExAC 0.00004.
gnomAD v4.1: 95 of 1,613,858 alleles (0.0059%); highest among the groups gnomAD compares: Non-Finnish European, 0.0075%; no homozygotes.

Submissions (4):

Labcorp Genetics (formerly Invitae), Labcorp
Classification: Likely benign for Ehlers-Danlos syndrome, classic type, 1. Last evaluated: 2025-10-13. Review status: criteria provided, single submitter. Criteria: Invitae Variant Classification Sherloc (09022015). Collection method: clinical testing. Allele origin: germline.

Ambry Genetics
Classification: Uncertain significance for Familial thoracic aortic aneurysm and aortic dissection. Last evaluated: 2025-03-26. Review status: criteria provided, single submitter. Criteria: Ambry Variant Classification Scheme 2023. Collection method: clinical testing. Allele origin: germline.
Comment: The p.P1226S variant (also known as c.3676C>T), located in coding exon 51 of the COL5A2 gene, results from a C to T substitution at nucleotide position 3676. The proline at codon 1226 is replaced by serine, an amino acid with similar properties. This amino acid position is highly conserved in available vertebrate species. In addition, the in silico prediction for this alteration is inconclusive. Since supporting evidence is limited at this time, the clinical significance of this alteration remains unclear.

GeneDx
Classification: Uncertain significance. Last evaluated: 2023-07-14. Review status: criteria provided, single submitter. Criteria: GeneDx Variant Classification Process June 2021. Collection method: clinical testing. Allele origin: germline. Affected: yes.
Comment: Has not been previously published as pathogenic or benign to our knowledge; In silico analysis supports that this missense variant does not alter protein structure/function

Fulgent Genetics
Classification: Uncertain significance for Ehlers-Danlos syndrome, classic type, 2. Last evaluated: 2022-05-11. Review status: criteria provided, single submitter. Criteria: ACMG Guidelines, 2015. Collection method: clinical testing. Allele origin: unknown.